The following is an entry in ClinVar:

NM_001291867.2(NHS):c.2723C>T (p.Thr908Ile)

Gene: NHS (NHS actin remodeling regulator; plus strand). Cytogenetic location: Xp22.13.
Variant type: single nucleotide variant.
Coding change: c.2723C>T on transcript NM_001291867.2 (MANE Select); coding-DNA position 2723, C replaced by T.
Protein change: p.Thr908Ile; replaces threonine 908 with isoleucine.
Molecular consequence: missense variant.
Genome position (GRCh38, 1-based): chrX:17,726,829, C>T. VCF-style: chrX-17726829-C-T. GRCh37 (hg19) VCF-style: chrX-17744949-C-T.
Other names: c.2192C>T, p.Thr731Ile (NM_001136024.4); c.2129C>T, p.Thr710Ile (NM_001291868.2); c.2660C>T, p.Thr887Ile (NM_198270.4); short protein forms T731I, T908I, T710I, T887I.
Identifiers: ClinVar variation 2707977 (VCV002707977.3), dbSNP rs2519938095, ClinGen allele CA412360124.

ClinVar aggregate classification (germline): Uncertain significance (1 of 4 stars; one submission).

Conditions:
Nance-Horan syndrome (NHS). Identifiers: Orphanet 627, MedGen C0796085, MONDO:0010545, OMIM 302350.

Submission:

Labcorp Genetics (formerly Invitae), Labcorp
Classification: Uncertain significance for Nance-Horan syndrome. Last evaluated: 2024-01-06. Review status: criteria provided, single submitter. Criteria: Invitae Variant Classification Sherloc (09022015). Collection method: clinical testing. Allele origin: germline.
Comment: This sequence change replaces threonine, which is neutral and polar, with isoleucine, which is neutral and non-polar, at codon 887 of the NHS protein (p.Thr887Ile). This variant is not present in population databases (gnomAD no frequency). This variant has not been reported in the literature in individuals affected with NHS-related conditions. Advanced modeling of protein sequence and biophysical properties (such as structural, functional, and spatial information, amino acid conservation, physicochemical variation, residue mobility, and thermodynamic stability) performed at Invitae indicates that this missense variant is not expected to disrupt NHS protein function with a negative predictive value of 80%. In summary, the available evidence is currently insufficient to determine the role of this variant in disease. Therefore, it has been classified as a Variant of Uncertain Significance.